The following is an entry in ClinVar:

NM_152564.5(VPS13B):c.1586G>A (p.Gly529Glu)

Gene: VPS13B (vacuolar protein sorting 13 homolog B; plus strand). Cytogenetic location: 8q22.2.
Variant type: single nucleotide variant.
Coding change: c.1586G>A on transcript NM_152564.5 (MANE Select); coding-DNA position 1586, G replaced by A.
Protein change: p.Gly529Glu; replaces glycine 529 with glutamic acid.
Molecular consequence: missense variant.
Genome position (GRCh38, 1-based): chr8:99,136,687, G>A. VCF-style: chr8-99136687-G-A. GRCh37 (hg19) VCF-style: chr8-100148915-G-A.
Other names: c.1586G>A (NM_152564.4); c.1586G>A, p.Gly529Glu (NM_015243.3, NM_017890.5); short protein forms G529E.
Identifiers: ClinVar variation 588293 (VCV000588293.10), dbSNP rs750429731, ClinGen allele CA4822677.
Genomic context (GRCh38, chr8:99,136,687, plus strand): 5'-ATACAATGTTTATTCTGTTTGCATTGCTTTGTTGGCAGGAGACATACACTGAGATAGCTG[G>A]AATGCAACGGTTTGGGGCTTTTTATATGGATTACCTGTATACAATGGAGAACACTAGTGG-3'
Protein context (NP_689777.3, residues 519-539): HHKETYTEIA[Gly529Glu]MQRFGAFYMD

ClinVar aggregate classification (germline): Uncertain significance. Review status: criteria provided, multiple submitters, no conflicts (2 of 4 stars). 5 submissions from 5 submitters: Uncertain significance (4). 1 of the submissions does not count toward it. Last evaluated 2024-12-26.

Conditions:
Cohen syndrome (COH1). Also called: PEPPER SYNDROME; Cutis verticis gyrata, retinitis pigmentosa, and sensorineural deafness. Identifiers: Orphanet 193, MedGen C0265223, MONDO:0008999, OMIM 216550.
VPS13B-related disorder. Also called: VPS13B-related condition.
Inborn genetic diseases. Identifiers: MedGen C0950123, MeSH D030342.

Allele frequency attached by ClinVar (database versions not stated): gnomAD exomes 0.00001; ExAC 0.00002.
gnomAD v4.1: 3 of 1,613,626 alleles (0.00019%); highest among the groups gnomAD compares: Admixed American, 0.005%; no homozygotes.

Submissions (5):

PreventionGenetics, part of Exact Sciences
Classification: Uncertain significance for VPS13B-related condition. Last evaluated: 2024-12-26. Review status: criteria provided, single submitter. Criteria: ACMG Guidelines, 2015. Collection method: clinical testing. Allele origin: germline.
Comment: The VPS13B c.1586G>A variant is predicted to result in the amino acid substitution p.Gly529Glu. To our knowledge, this variant has not been reported in the literature. This variant is reported in 0.0087% of alleles in individuals of Latino descent in gnomAD. At this time, the clinical significance of this variant is uncertain due to the absence of conclusive functional and genetic evidence.

GeneDx
Classification: Uncertain significance. Last evaluated: 2024-02-26. Review status: criteria provided, single submitter. Criteria: GeneDx Variant Classification Process June 2021. Collection method: clinical testing. Allele origin: germline. Affected: yes.
Comment: Not observed at significant frequency in large population cohorts (gnomAD); In silico analysis supports that this missense variant has a deleterious effect on protein structure/function; Has not been previously published as pathogenic or benign to our knowledge

Labcorp Genetics (formerly Invitae), Labcorp
Classification: Uncertain significance for Cohen syndrome. Last evaluated: 2022-01-21. Review status: criteria provided, single submitter. Criteria: Invitae Variant Classification Sherloc (09022015). Collection method: clinical testing. Allele origin: germline.
Comment: This sequence change replaces glycine, which is neutral and non-polar, with glutamic acid, which is acidic and polar, at codon 529 of the VPS13B protein (p.Gly529Glu). This variant is present in population databases (rs750429731, gnomAD 0.009%). This variant has not been reported in the literature in individuals affected with VPS13B-related conditions. ClinVar contains an entry for this variant (Variation ID: 588293). Algorithms developed to predict the effect of missense changes on protein structure and function are either unavailable or do not agree on the potential impact of this missense change (SIFT: "Not Available"; PolyPhen-2: "Probably Damaging"; Align-GVGD: "Not Available"). In summary, the available evidence is currently insufficient to determine the role of this variant in disease. Therefore, it has been classified as a Variant of Uncertain Significance.

Ambry Genetics
Classification: Uncertain significance for Inborn genetic diseases. Last evaluated: 2016-09-20. Review status: criteria provided, single submitter. Criteria: Ambry Variant Classification Scheme 2023. Collection method: clinical testing. Allele origin: germline.
Comment: The p.G529E variant (also known as c.1586G>A), located in coding exon 11 of the VPS13B gene, results from a G to A substitution at nucleotide position 1586. The glycine at codon 529 is replaced by glutamic acid, an amino acid with similar properties. This variant was not reported in population based cohorts in the following databases: Database of Single Nucleotide Polymorphisms (dbSNP), NHLBI Exome Sequencing Project (ESP), and 1000 Genomes Project. In the ESP, this variant was not observed in 6503 samples (13006 alleles) with coverage at this position. This amino acid position is highly conserved in available vertebrate species. In addition, this alteration is predicted to be deleterious by in silico analysis. Since supporting evidence is limited at this time, the clinical significance of this variant remains unclear.

Natera, Inc.
Classification: Uncertain significance for Cohen syndrome. Last evaluated: 2019-11-11. Review status: no assertion criteria provided. Collection method: clinical testing. Allele origin: germline. Not counted in ClinVar's aggregate classification.